The following is an entry in ClinVar:

NM_025103.4(IFT74):c.1376T>G (p.Leu459Arg)

Gene: IFT74 (intraflagellar transport 74; plus strand). Cytogenetic location: 9p21.2.
Variant type: single nucleotide variant.
Coding change: c.1376T>G on transcript NM_025103.4 (MANE Select); coding-DNA position 1376, T replaced by G.
Protein change: p.Leu459Arg; replaces leucine 459 with arginine.
Molecular consequence: missense variant.
Genome position (GRCh38, 1-based): chr9:27,055,651, T>G. VCF-style: chr9-27055651-T-G. GRCh37 (hg19) VCF-style: chr9-27055649-T-G.
Other names: c.1376T>G, p.Leu459Arg (NM_001099222.3, NM_001099223.3, NM_001349928.2); short protein forms L459R.
Identifiers: ClinVar variation 5002552 (VCV005002552.1).
Genomic context (GRCh38, chr9:27,055,651, plus strand): 5'-TAAATTCTTATGTTTCAGACATTCAACGTCTGCAGTTGGATCTGCAGAAAATGGAGCTTC[T>G]AGAAAGTAAGATGACTGAAGAACAGCATTCTCTAAAAAGCAAAATTAAGCAAATGACAAC-3'
Protein context (NP_079379.2, residues 449-469): LQLDLQKMEL[Leu459Arg]ESKMTEEQHS

ClinVar aggregate classification (germline): Uncertain significance (1 of 4 stars; one submission).

Conditions:
IFT74-related disorder. Also called: IFT74-related condition; IFT74-Related Disorders.

Submission:

PreventionGenetics, part of Exact Sciences
Classification: Uncertain significance for IFT74-related condition. Last evaluated: 2024-12-13. Review status: criteria provided, single submitter. Criteria: ACMG Guidelines, 2015. Collection method: clinical testing. Allele origin: germline.
Comment: The IFT74 c.1376T>G variant is predicted to result in the amino acid substitution p.Leu459Arg. To our knowledge, this variant has not been reported in the literature or in a large population database (gnomAD), indicating this variant is rare. At this time, the clinical significance of this variant is uncertain due to the absence of conclusive functional and genetic evidence.